The following is an entry in ClinVar:

ClinVar aggregate classification (germline): Uncertain significance (1 of 4 stars; one submission).

Allele frequency attached by ClinVar (database versions not stated): gnomAD 0.00001; gnomAD exomes 0.00002; TOPMed 0.00003.

Submission:

Women's Health and Genetics/Laboratory Corporation of America, LabCorp
Classification: Uncertain significance. Last evaluated: 2016-08-11. Review status: criteria provided, single submitter. Criteria: LabCorp Variant Classification Summary - May 2015. Collection method: clinical testing. Allele origin: germline.
Comment: Variant summary: The c.*101delC in BTK gene is a deletion of conserved nucleotide in 3' UTR region. Mutation Taster algorithm predicts this change to not affect a poly(A) signal, however, no stability studies were published at the time of evaluation. The presence of the variant in the general population could not be determined at this time as this region is not covered the control population dataset of ExAC and has not, to our knowledge, been reported in affected individuals via published reports or by reputable databases/clinical laboratories. Taken together, the variant was classified as VUS.

NM_000061.3(BTK):c.*101del

Gene: BTK (Bruton tyrosine kinase; minus strand). Cytogenetic location: Xq22.1.
Variant type: Deletion.
Coding change: c.*101del on transcript NM_000061.3 (MANE Select); 101 bases downstream of the stop codon, one base deleted (C; older notation c.*101delC).
Molecular consequence: 3 prime UTR variant.
Genome position (GRCh38, 1-based): chrX:101,349,784, G deleted on the plus strand (C on the coding strand, the reverse complement: BTK is on the minus strand). VCF-style (leftmost placement, unchanged base first): chrX-101349783-AG-A. GRCh37 (hg19) VCF-style: chrX-100604771-AG-A.
Other names: c.*101del (NM_001287344.2, NM_001287345.2); c.*101delC (NM_000061.2).
Identifiers: ClinVar variation 495526 (VCV000495526.1), dbSNP rs1385972271, ClinGen allele CA658684317.